The following is an entry in ClinVar:

NM_000059.4(BRCA2):c.5378del (p.Asn1793fs)

Gene: BRCA2 (BRCA2 DNA repair associated; plus strand). Cytogenetic location: 13q13.1.
Variant type: Deletion.
Coding change: c.5378del on transcript NM_000059.4 (MANE Select); coding-DNA position 5378, one base deleted (A; older notation c.5378delA).
Protein change: p.Asn1793fs; shifts the reading frame from asparagine 1793.
Molecular consequence: frameshift variant.
Genome position (GRCh38, 1-based): chr13:32,339,733, A deleted; the last of 2 consecutive A bases (chr13:32,339,732-32,339,733); deleting either gives the same sequence. VCF-style (leftmost placement, unchanged base first): chr13-32339731-CA-C. GRCh37 (hg19) VCF-style: chr13-32913868-CA-C.
Other names: 5606delA; c.5378delA (NM_000059.3).
Identifiers: ClinVar variation 96820 (VCV000096820.3), dbSNP rs431825330, ClinGen allele CA022162.

ClinVar aggregate classification (germline): Pathogenic. Review status: reviewed by expert panel (3 of 4 stars). 3 submissions from 3 submitters: Pathogenic (1). 2 of the submissions do not count toward it. Last evaluated 2016-09-08.

Conditions:
Breast-ovarian cancer, familial, susceptibility to, 2 (BROVCA2). Also called: BRCA2 Hereditary Breast and Ovarian Cancer. Identifiers: Orphanet 145, MedGen C2675520, MONDO:0012933, OMIM 612555. Disease mechanism: loss of function.

Submissions (3):

Evidence-based Network for the Interpretation of Germline Mutant Alleles (ENIGMA)
Classification: Pathogenic for Breast-ovarian cancer, familial, susceptibility to, 2. Last evaluated: 2016-09-08. Review status: reviewed by expert panel. Criteria: ENIGMA BRCA1/2 Classification Criteria (2015). Collection method: curation. Allele origin: germline.
Comment: Variant allele predicted to encode a truncated non-functional protein.

Consortium of Investigators of Modifiers of BRCA1/2 (CIMBA), c/o University of Cambridge
Classification: Pathogenic for Breast-ovarian cancer, familial, susceptibility to, 2. Last evaluated: 2015-10-02. Review status: criteria provided, single submitter. Criteria: CIMBA Mutation Classification guidelines May 2016. Collection method: clinical testing. Allele origin: germline. Not counted in ClinVar's aggregate classification.

Sharing Clinical Reports Project (SCRP)
Classification: Pathogenic for Breast-ovarian cancer, familial 2. Last evaluated: 2012-05-01. Review status: no assertion criteria provided. Collection method: clinical testing. Allele origin: germline. Not counted in ClinVar's aggregate classification.